The following is an entry in ClinVar:

ClinVar aggregate classification (germline): Uncertain significance (1 of 4 stars; one submission).

Allele frequency attached by ClinVar (database versions not stated): TOPMed below 0.00001; gnomAD 0.00003.
gnomAD v4.1: 11 of 1,604,182 alleles (0.00069%); highest among the groups gnomAD compares: African/African-American, 0.0081%; no homozygotes.

Submission:

Labcorp Genetics (formerly Invitae), Labcorp
Classification: Uncertain significance. Last evaluated: 2022-09-27. Review status: criteria provided, single submitter. Criteria: Invitae Variant Classification Sherloc (09022015). Collection method: clinical testing. Allele origin: germline.
Comment: This variant is present in population databases (no rsID available, gnomAD 0.03%). This variant has not been reported in the literature in individuals affected with ERBIN-related conditions. Algorithms developed to predict the effect of missense changes on protein structure and function (SIFT, PolyPhen-2, Align-GVGD) all suggest that this variant is likely to be tolerated. Algorithms developed to predict the effect of sequence changes on RNA splicing suggest that this variant may create or strengthen a splice site. In summary, the available evidence is currently insufficient to determine the role of this variant in disease. Therefore, it has been classified as a Variant of Uncertain Significance. This sequence change replaces aspartic acid, which is acidic and polar, with glycine, which is neutral and non-polar, at codon 523 of the ERBIN protein (p.Asp523Gly).

NM_001253697.2(ERBIN):c.1568A>G (p.Asp523Gly)

Gene: ERBIN (erbb2 interacting protein; plus strand). Cytogenetic location: 5q12.3.
Variant type: single nucleotide variant.
Coding change: c.1568A>G on transcript NM_001253697.2 (MANE Select); coding-DNA position 1568, A replaced by G.
Protein change: p.Asp523Gly; replaces aspartic acid 523 with glycine.
Molecular consequence: missense variant.
Genome position (GRCh38, 1-based): chr5:66,044,276, A>G. VCF-style: chr5-66044276-A-G. GRCh37 (hg19) VCF-style: chr5-65340104-A-G.
Other names: c.1568A>G, p.Asp523Gly (NM_001006600.3, NM_001253698.2, NM_001253699.2 and 2 more transcripts); short protein forms D523G.
Identifiers: ClinVar variation 2129671 (VCV002129671.4), dbSNP rs1369396014, ClinGen allele CA359861420.